The following is an entry in ClinVar:

ClinVar aggregate classification (germline): Conflicting classifications of pathogenicity. Review status: criteria provided, conflicting classifications (1 of 4 stars). 3 submissions from 3 submitters: Uncertain significance (1); Likely benign (1). 1 of the submissions does not count toward it. Last evaluated 2025-06-12.

Conditions:
Pfeiffer syndrome (ACS5). Also called: ACS V. Identifiers: Orphanet 710, MedGen C0220658, MONDO:0007043, OMIM 101600.
Hypogonadotropic hypogonadism 2 with or without anosmia (HH2). Also called: FGFR1-Related GnRH Deficiency (Kallmann Syndrome 2); HYPOGONADOTROPIC HYPOGONADISM 2 WITHOUT ANOSMIA; HYPOGONADOTROPIC HYPOGONADISM 2 WITH OR WITHOUT ANOSMIA, SUSCEPTIBILITY TO; HYPOGONADOTROPIC HYPOGONADISM 2 WITHOUT ANOSMIA, SUSCEPTIBILITY TO. Identifiers: Orphanet 478, MedGen C1563720, MONDO:0007844, OMIM 147950. Disease mechanism: loss of function.
FGFR1-related disorder. Also called: FGFR1-related condition; FGFR1-related disorders. Identifiers: MedGen CN380097.

Allele frequency attached by ClinVar (database versions not stated): ExAC 0.00001; gnomAD exomes 0.00001 and 0.00002; TOPMed 0.00001.
gnomAD v4.1: 6 of 1,613,188 alleles (0.00037%); highest among the groups gnomAD compares: Admixed American, 0.01%; no homozygotes.

Submissions (3):

Labcorp Genetics (formerly Invitae), Labcorp
Classification: Likely benign for Pfeiffer syndrome; Hypogonadotropic hypogonadism 2 with or without anosmia. Last evaluated: 2025-06-12. Review status: criteria provided, single submitter. Criteria: Invitae Variant Classification Sherloc (09022015). Collection method: clinical testing. Allele origin: germline.

GeneDx
Classification: Uncertain significance. Last evaluated: 2021-01-05. Review status: criteria provided, single submitter. Criteria: GeneDx Variant Classification Process June 2021. Collection method: clinical testing. Allele origin: germline. Affected: yes.
Comment: In silico analysis supports that this variant does not alter splicing; Has not been previously published as pathogenic or benign to our knowledge

PreventionGenetics, part of Exact Sciences
Classification: Likely benign for FGFR1-related condition. Last evaluated: 2020-09-30. Review status: no assertion criteria provided. Collection method: clinical testing. Allele origin: germline. Not counted in ClinVar's aggregate classification.
Comment: This variant is classified as likely benign based on ACMG/AMP sequence variant interpretation guidelines (Richards et al. 2015 PMID: 25741868, with internal and published modifications).

NM_023110.3(FGFR1):c.243C>T (p.Ile81=)

Gene: FGFR1 (fibroblast growth factor receptor 1; minus strand). Cytogenetic location: 8p11.23.
Variant type: single nucleotide variant.
Coding change: c.243C>T on transcript NM_023110.3 (MANE Select); coding-DNA position 243, C replaced by T.
Protein change: p.Ile81=; no amino-acid change (isoleucine 81 retained).
Molecular consequence: synonymous variant. On other transcripts: intron variant (5).
Genome position (GRCh38, 1-based): chr8:38,429,797, G>A on the plus strand (C>T on the coding strand, the complement: FGFR1 is on the minus strand). VCF-style: chr8-38429797-G-A. GRCh37 (hg19) VCF-style: chr8-38287315-G-A.
Other names: c.92-1362C>T (NM_001174066.2, NM_001354368.2, NM_001354370.2 and 2 more transcripts); c.243C>T, p.Ile81= (NM_001174063.2, NM_001174065.2, NM_001354367.2 and 2 more transcripts); c.219C>T, p.Ile73= (NM_001174064.2); c.342C>T, p.Ile114= (NM_001174067.2).
Identifiers: ClinVar variation 1313822 (VCV001313822.8), dbSNP rs764340351, ClinGen allele CA4718840.